The following is an entry in ClinVar:

ClinVar aggregate classification (germline): Uncertain significance (1 of 4 stars; one submission).

Conditions:
Neuroblastoma, susceptibility to, 3. Also called: ALK-Related Neuroblastic Tumor Susceptibility. Identifiers: Orphanet 635, MedGen C2751681, MONDO:0013083, OMIM 613014.

Submission:

Labcorp Genetics (formerly Invitae), Labcorp
Classification: Uncertain significance for Neuroblastoma, susceptibility to, 3. Last evaluated: 2024-11-22. Review status: criteria provided, single submitter. Criteria: Invitae Variant Classification Sherloc (09022015). Collection method: clinical testing. Allele origin: germline.
Comment: This sequence change replaces valine, which is neutral and non-polar, with alanine, which is neutral and non-polar, at codon 1149 of the ALK protein (p.Val1149Ala). This variant is not present in population databases (gnomAD no frequency). This variant has not been reported in the literature in individuals affected with ALK-related conditions. ClinVar contains an entry for this variant (Variation ID: 2752182). An algorithm developed to predict the effect of missense changes on protein structure and function (PolyPhen-2) suggests that this variant is likely to be disruptive. In summary, the available evidence is currently insufficient to determine the role of this variant in disease. Therefore, it has been classified as a Variant of Uncertain Significance.

NM_004304.5(ALK):c.3446T>C (p.Val1149Ala)

Gene: ALK (ALK receptor tyrosine kinase; minus strand). Cytogenetic location: 2p23.2.
Variant type: single nucleotide variant.
Coding change: c.3446T>C on transcript NM_004304.5 (MANE Select); coding-DNA position 3446, T replaced by C.
Protein change: p.Val1149Ala; replaces valine 1149 with alanine.
Molecular consequence: missense variant.
Genome position (GRCh38, 1-based): chr2:29,222,521, A>G on the plus strand (T>C on the coding strand, the complement: ALK is on the minus strand). VCF-style: chr2-29222521-A-G. GRCh37 (hg19) VCF-style: chr2-29445387-A-G.
Other names: c.242T>C, p.Val81Ala (NM_001353765.2); short protein forms V1149A, V81A.
Identifiers: ClinVar variation 2752182 (VCV002752182.3), dbSNP rs76805758, ClinGen allele CA346463558.